The following is an entry in ClinVar:

ClinVar aggregate classification (germline): Conflicting classifications of pathogenicity. Review status: criteria provided, conflicting classifications (1 of 4 stars). 4 submissions from 4 submitters: Uncertain significance (3); Likely benign (1). Last evaluated 2024-07-10.

Conditions:
Familial thoracic aortic aneurysm and aortic dissection (TAAD). Also called: Thoracic aortic aneurysms and dissections. Identifiers: Orphanet 91387, MedGen C4707243, MONDO:0019625.
Ehlers-Danlos syndrome, type 4 (EDSVASC). Also called: Ehlers-Danlos syndrome vascular type; Ehlers Danlos syndrome, ecchymotic type; Ehlers Danlos syndrome, arterial type; Ehlers Danlos syndrome, Sack-Barabas type; Ehlers-Danlos Syndrome Type IV. Identifiers: Orphanet 286, MedGen C0268338, MONDO:0017314, OMIM 130050.

Allele frequency attached by ClinVar (database versions not stated): gnomAD 0.00002; ExAC 0.00001; gnomAD exomes 0.00001; TOPMed 0.00001.
gnomAD v4.1: 10 of 1,607,606 alleles (0.00062%); highest among the groups gnomAD compares: Admixed American, 0.017%; no homozygotes.

Submissions (4):

All of Us Research Program, National Institutes of Health
Classification: Uncertain significance for Ehlers-Danlos syndrome, type 4. Last evaluated: 2024-07-10. Review status: criteria provided, single submitter. Criteria: ACMG Guidelines, 2015. Collection method: clinical testing. Allele origin: germline. Inheritance: Autosomal dominant inheritance. Observed: 6 variant alleles, 6 heterozygotes.
Comment: This missense variant replaces glutamine with proline at codon 200 of the COL3A1 protein. Computational prediction is inconclusive regarding the impact of this variant on protein structure and function (internally defined REVEL score threshold 0.5 < inconclusive < 0.7, PMID: 27666373). To our knowledge, functional studies have not been reported for this variant. This variant has not been reported in individuals affected with cardiovascular disorders in the literature. This variant has been identified in 7/281146 chromosomes in the general population by the Genome Aggregation Database (gnomAD). The available evidence is insufficient to determine the role of this variant in disease conclusively. Therefore, this variant is classified as a Variant of Uncertain Significance.

This study involves interpretation of variants in research participants for the purpose of population health screening. Participant phenotype was not available at the time of variant classification. Additional details can be found in publication PMID: 35346344, PMCID: PMC8962531

Color Diagnostics, LLC DBA Color Health
Classification: Uncertain significance for Familial thoracic aortic aneurysm and aortic dissection. Last evaluated: 2024-02-16. Review status: criteria provided, single submitter. Criteria: ACMG Guidelines, 2015. Collection method: clinical testing. Allele origin: germline.
Comment: This missense variant replaces glutamine with proline at codon 200 of the COL3A1 protein. Computational prediction is inconclusive regarding the impact of this variant on protein structure and function (internally defined REVEL score threshold 0.5 < inconclusive < 0.7, PMID: 27666373). To our knowledge, functional studies have not been reported for this variant. This variant has not been reported in individuals affected with COL3A1-related disorders in the literature. This variant has been identified in 7/281146 chromosomes in the general population by the Genome Aggregation Database (gnomAD). The available evidence is insufficient to determine the role of this variant in disease conclusively. Therefore, this variant is classified as a Variant of Uncertain Significance.

Labcorp Genetics (formerly Invitae), Labcorp
Classification: Uncertain significance for Ehlers-Danlos syndrome, type 4. Last evaluated: 2023-11-07. Review status: criteria provided, single submitter. Criteria: Invitae Variant Classification Sherloc (09022015). Collection method: clinical testing. Allele origin: germline.
Comment: This sequence change replaces glutamine, which is neutral and polar, with proline, which is neutral and non-polar, at codon 200 of the COL3A1 protein (p.Gln200Pro). This variant is present in population databases (rs780921226, gnomAD 0.02%). This variant has not been reported in the literature in individuals affected with COL3A1-related conditions. ClinVar contains an entry for this variant (Variation ID: 1171508). Advanced modeling of protein sequence and biophysical properties (such as structural, functional, and spatial information, amino acid conservation, physicochemical variation, residue mobility, and thermodynamic stability) performed at Invitae indicates that this missense variant is not expected to disrupt COL3A1 protein function with a negative predictive value of 95%. In summary, the available evidence is currently insufficient to determine the role of this variant in disease. Therefore, it has been classified as a Variant of Uncertain Significance.

Ambry Genetics
Classification: Likely benign for Familial thoracic aortic aneurysm and aortic dissection. Last evaluated: 2023-03-29. Review status: criteria provided, single submitter. Criteria: Ambry Variant Classification Scheme 2023. Collection method: clinical testing. Allele origin: germline.

NM_000090.4(COL3A1):c.599A>C (p.Gln200Pro)

Gene: COL3A1 (collagen type III alpha 1 chain; plus strand). Cytogenetic location: 2q32.2.
Variant type: single nucleotide variant.
Coding change: c.599A>C on transcript NM_000090.4 (MANE Select); coding-DNA position 599, A replaced by C.
Protein change: p.Gln200Pro; replaces glutamine 200 with proline.
Molecular consequence: missense variant.
Genome position (GRCh38, 1-based): chr2:188,988,606, A>C. VCF-style: chr2-188988606-A-C. GRCh37 (hg19) VCF-style: chr2-189853332-A-C.
Other names: short protein forms Q200P.
Identifiers: ClinVar variation 1171508 (VCV001171508.10), dbSNP rs780921226, ClinGen allele CA076733.